The following is an entry in ClinVar:

ClinVar aggregate classification (germline): Uncertain significance (1 of 4 stars; one submission).

Submission:

Women's Health and Genetics/Laboratory Corporation of America, LabCorp
Classification: Uncertain significance. Last evaluated: 2024-09-24. Review status: criteria provided, single submitter. Criteria: LabCorp Variant Classification Summary - May 2015. Collection method: clinical testing. Allele origin: germline.
Comment: Variant summary: TYR c.1162C>T (p.Leu388Phe) results in a non-conservative amino acid change located in the Tyrosinase copper-binding domain (IPR002227) of the encoded protein sequence. Five of five in-silico tools predict a damaging effect of the variant on protein function. The variant was absent in 251092 control chromosomes. The available data on variant occurrences in the general population are insufficient to allow any conclusion about variant significance. c.1162C>T has been reported in the literature in individuals affected with Oculocutaneous Albinism (Wei_2022). These data do not allow any conclusion about variant significance. To our knowledge, no experimental evidence demonstrating an impact on protein function has been reported. The following publication have been ascertained in the context of this evaluation (PMID: 34838614). No submitters have cited clinical-significance assessments for this variant to ClinVar. Based on the evidence outlined above, the variant was classified as uncertain significance.

Literature cited by the submitters: PubMed 34838614.

NM_000372.5(TYR):c.1162C>T (p.Leu388Phe)

Gene: TYR (tyrosinase; plus strand). Cytogenetic location: 11q14.3.
Variant type: single nucleotide variant.
Coding change: c.1162C>T on transcript NM_000372.5 (MANE Select); coding-DNA position 1162, C replaced by T.
Protein change: p.Leu388Phe; replaces leucine 388 with phenylalanine.
Molecular consequence: missense variant.
Genome position (GRCh38, 1-based): chr11:89,227,948, C>T. VCF-style: chr11-89227948-C-T. GRCh37 (hg19) VCF-style: chr11-88961116-C-T.
Other names: short protein forms L388F.
Identifiers: ClinVar variation 3375256 (VCV003375256.1).
Genomic context (GRCh38, chr11:89,227,948, plus strand): 5'-ATCTATATGAATGGAACAATGTCCCAGGTACAGGGATCTGCCAACGATCCTATCTTCCTT[C>T]TTCACCATGCATTTGTTGACAGGTTGGTTAATATTTCTTTATAAATAACGTGCTCATTGG-3'
Protein context (NP_000363.1, residues 378-398): QGSANDPIFL[Leu388Phe]HHAFVDSIFE